The following is an entry in ClinVar:

NM_005495.3(SLC17A4):c.39C>A (p.Asp13Glu)

Genes: SLC17A1 (solute carrier family 17 member 1; minus strand), SLC17A4 (solute carrier family 17 member 4; plus strand). Cytogenetic location: 6p22.2.
Variant type: single nucleotide variant.
Coding change: c.39C>A on transcript NM_005495.3 (MANE Select); coding-DNA position 39, C replaced by A.
Protein change: p.Asp13Glu; replaces aspartic acid 13 with glutamic acid.
Molecular consequence: missense variant. On other transcripts: 5 prime UTR variant (1).
Genome position (GRCh38, 1-based): chr6:25,762,001, C>A. VCF-style: chr6-25762001-C-A. GRCh37 (hg19) VCF-style: chr6-25762229-C-A.
Other names: c.-224C>A (NM_001286121.1); short protein forms D13E.
Identifiers: ClinVar variation 2352093 (VCV002352093.26), dbSNP rs150942022, ClinGen allele CA3661970.

ClinVar aggregate classification (germline): Conflicting classifications of pathogenicity. Review status: criteria provided, conflicting classifications (1 of 4 stars). 2 submissions from 2 submitters: Uncertain significance (1); Likely benign (1). Last evaluated 2022-07-01.

Allele frequency attached by ClinVar (database versions not stated): 1000 Genomes Project 30x 0.00016.
gnomAD v4.1: 843 of 1,613,268 alleles (0.052%); highest among the groups gnomAD compares: Middle Eastern, 0.23%; 2 homozygotes.

Submissions (2):

CeGaT Center for Human Genetics Tuebingen
Classification: Likely benign. Last evaluated: 2022-07-01. Review status: criteria provided, single submitter. Criteria: CeGaT Center For Human Genetics Tuebingen Variant Classification Criteria Version 2. Collection method: clinical testing. Allele origin: germline. Affected: yes. Observed: 1 variant allele.
Comment: SLC17A4: BP4

Ambry Genetics
Classification: Uncertain significance. Last evaluated: 2021-08-02. Review status: criteria provided, single submitter. Criteria: Ambry Variant Classification Scheme 2023. Collection method: clinical testing. Allele origin: germline.